The following is an entry in ClinVar:

NM_004974.4(KCNA2):c.850G>C (p.Gly284Arg)

Gene: KCNA2 (potassium voltage-gated channel subfamily A member 2; minus strand). Cytogenetic location: 1p13.3.
Variant type: single nucleotide variant.
Coding change: c.850G>C on transcript NM_004974.4 (MANE Select); coding-DNA position 850, G replaced by C.
Protein change: p.Gly284Arg; replaces glycine 284 with arginine.
Molecular consequence: missense variant.
Genome position (GRCh38, 1-based): chr1:110,603,933, C>G on the plus strand (G>C on the coding strand, the complement: KCNA2 is on the minus strand). VCF-style: chr1-110603933-C-G. GRCh37 (hg19) VCF-style: chr1-111146555-C-G.
Other names: c.850G>C, p.Gly284Arg (NM_001204269.2); short protein forms G284R.
Identifiers: ClinVar variation 1326483 (VCV001326483.3), dbSNP rs2101398930, ClinGen allele CA341603052.
Genomic context (GRCh38, chr1:110,603,933, plus strand): 5'-TCCTAAAGACTCTTACCAACCGGATGACACGGAGGATGGCCAGTGACATGGCCTGCTGGC[C>G]TTGCTGAGCGTCCTCTGGCTTCTCAGCCAACTCTGTCCCCAGGGTGATGAAGTAGGGGAT-3'
Protein context (NP_004965.1, residues 274-294): LAEKPEDAQQ[Gly284Arg]QQAMSLAILR

ClinVar aggregate classification (germline): Uncertain significance (1 of 4 stars; one submission).

Submission:

GeneDx
Classification: Uncertain significance. Last evaluated: 2022-01-03. Review status: criteria provided, single submitter. Criteria: GeneDx Variant Classification Process June 2021. Collection method: clinical testing. Allele origin: germline. Affected: yes.
Comment: Not observed at significant frequency in large population cohorts (gnomAD); In silico analysis supports that this missense variant has a deleterious effect on protein structure/function; Has not been previously published as pathogenic or benign to our knowledge